The following is an entry in ClinVar:

ClinVar aggregate classification (germline): Benign (1 of 4 stars; one submission).

Conditions:
Familial cancer of breast. Also called: hereditary breast carcinoma; BREAST CANCER, FAMILIAL; Hereditary breast cancer. Identifiers: Orphanet 227535, MedGen C0346153, MONDO:0016419, OMIM 114480. Disease mechanism: loss of function.

Submission:

Myriad Genetics, Inc.
Classification: Benign for Familial cancer of breast. Last evaluated: 2024-06-12. Review status: criteria provided, single submitter. Criteria: Myriad Autosomal Dominant, Autosomal Recessive and X-Linked Classification Criteria (2023). Collection method: clinical testing. Allele origin: unknown.
Comment: This variant is considered benign. This variant is a silent/synonymous amino acid change and it is not expected to impact splicing.

NM_000051.4(ATM):c.6810C>G (p.Leu2270=)

Genes: ATM (ATM serine/threonine kinase; plus strand), C11orf65 (chromosome 11 open reading frame 65; minus strand). Cytogenetic location: 11q22.3.
Variant type: single nucleotide variant.
Coding change: c.6810C>G on transcript NM_000051.4 (MANE Select); coding-DNA position 6810, C replaced by G.
Protein change: p.Leu2270=; no amino-acid change (leucine 2270 retained).
Molecular consequence: synonymous variant. On other transcripts: intron variant (2).
Genome position (GRCh38, 1-based): chr11:108,326,060, C>G. VCF-style: chr11-108326060-C-G. GRCh37 (hg19) VCF-style: chr11-108196787-C-G.
Other names: c.6810C>G, p.Leu2270= (NM_001351834.2); c.641-16989G>C (NM_001330368.2); c.*38+9160G>C (NM_001351110.2).
Identifiers: ClinVar variation 3254112 (VCV003254112.1), dbSNP rs1060504305.